The following is an entry in ClinVar:

NC_000009.12:g.35658028GCTTCACAGAGTAGTA[4]

Gene: RMRP (RNA component of mitochondrial RNA processing endoribonuclease; minus strand). Cytogenetic location: 9p13.3.
Variant type: Microsatellite.
Genome position: GRCh38, VCF-style position (the base before the change): chr9:35,658,026. GRCh37 (hg19), VCF-style position (the base before the change): chr9:35,658,023.
Identifiers: ClinVar variation 2701528 (VCV002701528.3), dbSNP rs1554651479, ClinGen allele CA2697557720.
Genomic context (GRCh38, chr9:35,658,026, plus strand): 5'-GAGGAACAGAGTCCTCAGTGTGTAGCCTAGGATACAGGCCTTCAGCACGAACCACGTCCT[C>CAGCTTCACAGAGTAGTAGCTTCACAGAGTAGTAGCTTCACAGAGTAGT]AGCTTCACAGAGTAGTATTTTATAGCCCTAAAGAAATTGTGTTTTATGATTAGGGTGAGA-3'

ClinVar aggregate classification (germline): Pathogenic (1 of 4 stars; one submission).

Conditions:
Anauxetic dysplasia. Identifiers: Orphanet 93347, MedGen C1846796, MONDO:0011773.

Submission:

Labcorp Genetics (formerly Invitae), Labcorp
Classification: Pathogenic for Anauxetic dysplasia. Last evaluated: 2023-12-09. Review status: criteria provided, single submitter. Criteria: Invitae Variant Classification Sherloc (09022015). Collection method: clinical testing. Allele origin: germline.
Comment: This variant occurs in the RMRP gene, which encodes an RNA molecule that does not result in a protein product. This variant is not present in population databases (gnomAD no frequency). While this particular variant has not been reported in the literature, it is located in the promoter region between the TATA box and the transcription initiation site, and other insertions and duplications immediately upstream of the coding sequence have been reported in individuals affected with cartilage-hair hypoplasia-anauxetic dysplasia (CHH-AD) spectrum disorders (PMID: 16244706, 11207361, 12107819). While functional studies for this variant have not been reported, experimental analyses using patient derived cells, as well as in vitro transfection studies, have shown that promoter insertions result in silencing of RMRP transcription and reduced expression of the gene product (PMID: 11207361, 16254002). For these reasons, this variant has been classified as Pathogenic.

Literature cited by the submitters: PubMed 16244706; PubMed 11207361; PubMed 12107819; PubMed 16254002.